The following is an entry in ClinVar:

ClinVar aggregate classification (germline): Uncertain significance (1 of 4 stars; one submission).

Submission:

Dasa
Classification: Uncertain significance. Last evaluated: 2025-12-10. Review status: criteria provided, single submitter. Criteria: DASA Assertion Criteria. Collection method: clinical testing. Allele origin: germline.
Comment: NM_080860.4(RSPH1):c.878-2_878-1insAGATGCAGACGTCCTCCGGGAAGAGAGCCGGGAGTATGACCAGGAGGAGTTCCGCTATGACATGGATGAG is a splice-region variant predicted to affect normal RNA splicing. This variant is rare in population databases. The currently available literature and clinical evidence are not sufficient to establish a definitive association between this variant and the reported condition. Therefore, this variant is classified as a variant of uncertain significance.

NM_080860.4(RSPH1):c.878-2_878-1insAGATGCAGACGTCCTCCGGGAAGAGAGCCGGGAGTATGACCAGGAGGAGTTCCGCTATGACATGGATGAG

Gene: RSPH1 (radial spoke head component 1; minus strand). Cytogenetic location: 21q22.3.
Variant type: Insertion.
Coding change: c.878-2_878-1insAGATGCAGACGTCCTCCGGGAAGAGAGCCGGGAGTATGACCAGGAGGAGTTCCGCTATGACATGGATGAG on transcript NM_080860.4 (MANE Select); the canonical splice acceptor site of the intron before coding-DNA position 878, AGATGCAGACGTCCTCCGGGAAGAGAGCCGGGAGTATGACCAGGAGGAGTTCCGCTATGACATGGATGAG inserted.
Molecular consequence: splice acceptor variant.
Genome position: GRCh38: chr21:42,472,871-42,472,872. GRCh37 (hg19): chr21:43,892,981-43,892,982.
Other names: c.764-2_764-1insAGATGCAGACGTCCTCCGGGAAGAGAGCCGGGAGTATGACCAGGAGGAGTTCCGCTATGACATGGATGAG (NM_001286506.2).
Identifiers: ClinVar variation 4886382 (VCV004886382.2).